The following is an entry in ClinVar:

NM_004380.3(CREBBP):c.4337G>A (p.Arg1446His)

Gene: CREBBP (CREB binding lysine acetyltransferase; minus strand). Cytogenetic location: 16p13.3.
Variant type: single nucleotide variant.
Coding change: c.4337G>A on transcript NM_004380.3 (MANE Select); coding-DNA position 4337, G replaced by A.
Protein change: p.Arg1446His; replaces arginine 1446 with histidine.
Molecular consequence: missense variant.
Genome position (GRCh38, 1-based): chr16:3,738,616, C>T on the plus strand (G>A on the coding strand, the complement: CREBBP is on the minus strand). VCF-style: chr16-3738616-C-T. GRCh37 (hg19) VCF-style: chr16-3788617-C-T.
Other names: c.4223G>A, p.Arg1408His (NM_001079846.1); c.4337G>A (NM_004380.2); short protein forms R1446H, R1408H.
Identifiers: ClinVar variation 376387 (VCV000376387.2), dbSNP rs1057519884, ClinGen allele CA16602826.

ClinVar aggregate classification (germline): Likely pathogenic (1 of 4 stars; one submission).

Conditions:
Rubinstein-Taybi syndrome due to CREBBP mutations (RSTS1). Also called: BROAD THUMB-HALLUX SYNDROME; CREBBP-Related Rubinstein-Taybi Syndrome; Rubinstein-Taybi syndrome 1; RUBINSTEIN-TAYBI SYNDROME 1, INCOMPLETE; BROAD THUMBS AND GREAT TOES, CHARACTERISTIC FACIES, AND IMPAIRED INTELLECTUAL DEVELOPMENT; RUBINSTEIN SYNDROME. Identifiers: Orphanet 353277, Orphanet 783, MedGen C4551859, MONDO:0008393, OMIM 180849.

Submission:

Victorian Clinical Genetics Services, Murdoch Childrens Research Institute
Classification: Likely pathogenic for Rubinstein-Taybi syndrome due to CREBBP mutations. Last evaluated: 2023-07-17. Review status: criteria provided, single submitter. Criteria: ACMG Guidelines, 2015. Collection method: clinical testing. Allele origin: germline. Inheritance: Autosomal dominant inheritance. Affected: yes.
Comment: Based on the classification scheme VCGS_Germline_v1.3.4, this variant is classified as Likely Pathogenic. Following criteria are met: 0102 - Loss of function is a known mechanism of disease in this gene and is associated with Menke-Hennekam syndrome 1 (MIM#618332) and Rubinstein-Taybi syndrome 1 (MIM#180849). (I) 0107 - This gene is associated with autosomal dominant disease. (I) 0200 - Variant is predicted to result in a missense amino acid change from arginine to histidine. (I) 0251 - This variant is heterozygous. (I) 0301 - Variant is absent from gnomAD (both v2 and v3). (SP) 0501 - Missense variant consistently predicted to be damaging by multiple in silico tools or highly conserved with a major amino acid change. (SP) 0601 - Variant is located in the well-established functional p.(Arg1446) residue. Functional studies have proven that changes to leucine, cysteine and glycine result in reduced histone acetylation (PMID: 29551561. PMID: 28970362). (SP) 0703 - Another missense variant comparable to the one identified in this case has moderate previous evidence for pathogenicity. This alternative change (p.(Arg1446Cys) has been reported as a VUS, but more recently as likely pathogenic and pathogenic, and identified as de novo in a fetus with features including polydactyly, small cerebellum and cardiac anamolies (ClinVar, LOVD). Additional changes to leucine and glycine are reported, but neither in the germline context. (SP) 0807 - This variant has no previous evidence of pathogenicity. However, this variant has been reported repeatedly as a somatic variant in cancer studies (ClinVar). (I) 0905 - No published segregation evidence has been identified for this variant. (I) 1007 - No published functional evidence has been identified for this variant. (I) 1208 - Inheritance information for this variant is not currently available in this individual. (I) Legend: (SP) - Supporting pathogenic, (I) - Information, (SB) - Supporting benign

Literature cited by the submitters: PubMed 28970362; PubMed 29551561.